The following is an entry in ClinVar:

NM_001939.3(DRP2):c.1300G>T (p.Asp434Tyr)

Gene: DRP2 (dystrophin related protein 2; plus strand). Cytogenetic location: Xq22.1.
Variant type: single nucleotide variant.
Coding change: c.1300G>T on transcript NM_001939.3 (MANE Select); coding-DNA position 1300, G replaced by T.
Protein change: p.Asp434Tyr; replaces aspartic acid 434 with tyrosine.
Molecular consequence: missense variant.
Genome position (GRCh38, 1-based): chrX:101,248,136, G>T. VCF-style: chrX-101248136-G-T. GRCh37 (hg19) VCF-style: chrX-100503125-G-T.
Other names: c.1066G>T, p.Asp356Tyr (NM_001171184.2); short protein forms D356Y, D434Y.
Identifiers: ClinVar variation 3505292 (VCV003505292.3).

ClinVar aggregate classification (germline): Uncertain significance. Review status: criteria provided, multiple submitters, no conflicts (2 of 4 stars). 2 submissions from 2 submitters: Uncertain significance (2). Last evaluated 2024-12-05.

gnomAD v4.1: 2 of 1,211,628 alleles (0.00017%); highest among the groups gnomAD compares: African/African-American, 0.0035%; no homozygotes.

Submissions (2):

Ambry Genetics
Classification: Uncertain significance. Last evaluated: 2024-12-05. Review status: criteria provided, single submitter. Criteria: Ambry Variant Classification Scheme 2023. Collection method: clinical testing. Allele origin: germline.

Labcorp Genetics (formerly Invitae), Labcorp
Classification: Uncertain significance. Last evaluated: 2024-09-15. Review status: criteria provided, single submitter. Criteria: Invitae Variant Classification Sherloc (09022015). Collection method: clinical testing. Allele origin: germline.
Comment: This sequence change replaces aspartic acid, which is acidic and polar, with tyrosine, which is neutral and polar, at codon 434 of the DRP2 protein (p.Asp434Tyr). This variant is not present in population databases (gnomAD no frequency). This variant has not been reported in the literature in individuals affected with DRP2-related conditions. Invitae Evidence Modeling of protein sequence and biophysical properties (such as structural, functional, and spatial information, amino acid conservation, physicochemical variation, residue mobility, and thermodynamic stability) indicates that this missense variant is not expected to disrupt DRP2 protein function with a negative predictive value of 80%. In summary, the available evidence is currently insufficient to determine the role of this variant in disease. Therefore, it has been classified as a Variant of Uncertain Significance.